The following is an entry in ClinVar:

ClinVar aggregate classification (germline): Uncertain significance (1 of 4 stars; one submission).

Conditions:
Progressive sclerosing poliodystrophy (MTDPS4A). Also called: ALPERS PROGRESSIVE INFANTILE POLIODYSTROPHY; ALPERS DIFFUSE DEGENERATION OF CEREBRAL GRAY MATTER WITH HEPATIC CIRRHOSIS; Alpers-Huttenlocher Syndrome; NEURONAL DEGENERATION OF CHILDHOOD WITH LIVER DISEASE, PROGRESSIVE; Alpers Syndrome; Mitochondrial DNA Depletion Syndrome 4A. Identifiers: Orphanet 726, MedGen C0205710, MONDO:0008758, OMIM 203700.

Allele frequency attached by ClinVar (database versions not stated): gnomAD exomes below 0.00001.
gnomAD v4.1: 3 of 1,613,800 alleles (0.00019%); highest among the groups gnomAD compares: African/African-American, 0.0013%; no homozygotes.

Submission:

Labcorp Genetics (formerly Invitae), Labcorp
Classification: Uncertain significance for Progressive sclerosing poliodystrophy. Last evaluated: 2025-03-31. Review status: criteria provided, single submitter. Criteria: Invitae Variant Classification Sherloc (09022015). Collection method: clinical testing. Allele origin: germline.
Comment: This sequence change replaces leucine, which is neutral and non-polar, with valine, which is neutral and non-polar, at codon 424 of the POLG protein (p.Leu424Val). This variant is not present in population databases (gnomAD no frequency). This variant has not been reported in the literature in individuals affected with POLG-related conditions. ClinVar contains an entry for this variant (Variation ID: 1006134). Invitae Evidence Modeling of protein sequence and biophysical properties (such as structural, functional, and spatial information, amino acid conservation, physicochemical variation, residue mobility, and thermodynamic stability) has been performed for this missense variant. However, the output from this modeling did not meet the statistical confidence thresholds required to predict the impact of this variant on POLG protein function. In summary, the available evidence is currently insufficient to determine the role of this variant in disease. Therefore, it has been classified as a Variant of Uncertain Significance.

NM_002693.3(POLG):c.1270C>G (p.Leu424Val)

Gene: POLG (DNA polymerase gamma, catalytic subunit; minus strand). Cytogenetic location: 15q26.1.
Variant type: single nucleotide variant.
Coding change: c.1270C>G on transcript NM_002693.3 (MANE Select); coding-DNA position 1270, C replaced by G.
Protein change: p.Leu424Val; replaces leucine 424 with valine.
Molecular consequence: missense variant.
Genome position (GRCh38, 1-based): chr15:89,327,330, G>C on the plus strand (C>G on the coding strand, the complement: POLG is on the minus strand). VCF-style: chr15-89327330-G-C. GRCh37 (hg19) VCF-style: chr15-89870561-G-C.
Other names: c.1270C>G, p.Leu424Val (NM_001126131.2); short protein forms L424V.
Identifiers: ClinVar variation 1006134 (VCV001006134.7), dbSNP rs2055536253, ClinGen allele CA393762800.